The following is an entry in ClinVar:

ClinVar aggregate classification (germline): Pathogenic (1 of 4 stars; one submission).

Conditions:
Hereditary breast ovarian cancer syndrome. Also called: Hereditary breast and ovarian cancer syndrome (HBOC); BRCA1- and BRCA2-Associated Hereditary Breast and Ovarian Cancer; Hereditary breast and ovarian cancer syndrome; Breast and ovarian cancer; Hereditary breast and ovarian cancer; Hereditary breast and/or ovarian cancer syndrome. Identifiers: Orphanet 145, MedGen C0677776, MeSH D061325, MONDO:0003582. Disease mechanism: loss of function.

Submission:

Labcorp Genetics (formerly Invitae), Labcorp
Classification: Pathogenic for Hereditary breast and ovarian cancer syndrome. Last evaluated: 2018-03-21. Review status: criteria provided, single submitter. Criteria: Invitae Variant Classification Sherloc (09022015). Collection method: clinical testing. Allele origin: germline.
Comment: This variant is a gross deletion of the genomic region encompassing exons 4-23 of the BRCA1 gene. The 5' boundary is likely confined to intron 3. The 3' end of this event is unknown as it extends through the termination codon beyond the assayed region for this gene and may encompass additional genes. While this deletion is not anticipated to result in nonsense mediated decay, it is expected to create a truncated protein product or disrupt mRNA translation. This deletion has not been reported in the literature in individuals with BRCA1-related disease. This sequence change eliminates approximately 97% of the BRCA1 protein including critical domains for nuclear localization and the C-terminal BRCT domains. This would likely result in a loss of protein function, and loss-of-function variants in BRCA1 are known to be pathogenic (PMID: 20104584). For these reasons, this variant has been classified as Pathogenic.

Literature cited by the submitters: PubMed 20104584.

NC_000017.11:g.(?_43045672)_(43106539_?)del

Genes: BRCA1 (BRCA1 DNA repair associated; minus strand), LOC126862571 (BRD4-independent group 4 enhancer GRCh37_chr17:41243136-41244335; plus strand). Cytogenetic location: 17q21.31.
Variant type: Deletion.
Identifiers: ClinVar variation 531557 (VCV000531557.1).